The following is an entry in ClinVar:

ClinVar aggregate classification (germline): Uncertain significance (1 of 4 stars; one submission).

Conditions:
Familial adenomatous polyposis 1 (FAP1). Also called: POLYPOSIS, ADENOMATOUS INTESTINAL; FAMILIAL ADENOMATOUS POLYPOSIS 1, ATTENUATED. Identifiers: MedGen C2713442, MONDO:0021056, OMIM 175100. Disease mechanism: loss of function.

Submission:

Labcorp Genetics (formerly Invitae), Labcorp
Classification: Uncertain significance for Familial adenomatous polyposis 1. Last evaluated: 2020-07-15. Review status: criteria provided, single submitter. Criteria: Invitae Variant Classification Sherloc (09022015). Collection method: clinical testing. Allele origin: germline.
Comment: This variant has not been reported in the literature in individuals with APC-related conditions. This sequence change replaces glutamine with arginine at codon 2003 of the APC protein (p.Gln2003Arg). The glutamine residue is highly conserved and there is a small physicochemical difference between glutamine and arginine. This variant is not present in population databases (ExAC no frequency). Algorithms developed to predict the effect of missense changes on protein structure and function are either unavailable or do not agree on the potential impact of this missense change (SIFT: "Deleterious"; PolyPhen-2: "Possibly Damaging"; Align-GVGD: "Class C0"). In summary, the available evidence is currently insufficient to determine the role of this variant in disease. Therefore, it has been classified as a Variant of Uncertain Significance.

NM_000038.6(APC):c.6008A>G (p.Gln2003Arg)

Gene: APC (APC regulator of Wnt signaling pathway; plus strand). Cytogenetic location: 5q22.2.
Variant type: single nucleotide variant.
Coding change: c.6008A>G on transcript NM_000038.6 (MANE Select); coding-DNA position 6008, A replaced by G.
Protein change: p.Gln2003Arg; replaces glutamine 2003 with arginine.
Molecular consequence: missense variant.
Genome position (GRCh38, 1-based): chr5:112,841,602, A>G. VCF-style: chr5-112841602-A-G. GRCh37 (hg19) VCF-style: chr5-112177299-A-G.
Other names: c.6008A>G, p.Gln2003Arg (NM_001127510.3, NM_001354895.2); c.5954A>G, p.Gln1985Arg (NM_001127511.3); c.6062A>G, p.Gln2021Arg (NM_001354896.2); c.6038A>G, p.Gln2013Arg (NM_001354897.2); c.5933A>G, p.Gln1978Arg (NM_001354898.2); c.5924A>G, p.Gln1975Arg (NM_001354899.2); c.5885A>G, p.Gln1962Arg (NM_001354900.2); c.5831A>G, p.Gln1944Arg (NM_001354901.2); and 5 more; short protein forms Q1843R, Q1877R, Q1902R, Q1912R, Q1944R, Q1962R, Q1975R, Q1978R.
Identifiers: ClinVar variation 1024133 (VCV001024133.10), dbSNP rs1580666656, ClinGen allele CA16034480.
Genomic context (GRCh38, chr5:112,841,602, plus strand): 5'-AAAATGAACCTATCAAAGAGACTGAGCCCCCTGACTCACAGGGAGAACCAAGTAAACCTC[A>G]AGCATCAGGCTATGCTCCTAAATCATTTCATGTTGAAGATACCCCAGTTTGTTTCTCAAG-3'
Protein context (NP_000029.2, residues 1993-2013): PDSQGEPSKP[Gln2003Arg]ASGYAPKSFH